The following is an entry in ClinVar:

ClinVar aggregate classification (germline): Benign. Review status: criteria provided, multiple submitters, no conflicts (2 of 4 stars). 7 submissions from 7 submitters: Benign (7). Last evaluated 2026-02-04.

Conditions:
Autosomal recessive nonsyndromic hearing loss 42. Identifiers: Orphanet 90636, MedGen C1864818, MONDO:0012326, OMIM 609646.

Allele frequency attached by ClinVar (database versions not stated): ESP Exome Variant Server 0.30855; TOPMed 0.30935; 1000 Genomes Project 0.35204; 1000 Genomes Project 30x 0.35025; gnomAD 0.31231.
gnomAD v4.1: 451,660 of 1,609,260 alleles (28%); highest among the groups gnomAD compares: South Asian, 48%; 67,047 homozygotes.

Submissions (7):

Labcorp Genetics (formerly Invitae), Labcorp
Classification: Benign. Last evaluated: 2026-02-04. Review status: criteria provided, single submitter. Criteria: Invitae Variant Classification Sherloc (09022015). Collection method: clinical testing. Allele origin: germline.

Genome-Nilou Lab
Classification: Benign for Autosomal recessive nonsyndromic hearing loss 42. Last evaluated: 2021-08-19. Review status: criteria provided, single submitter. Criteria: ACMG Guidelines, 2015. Collection method: clinical testing. Allele origin: germline. Affected: no.

Mayo Clinic Laboratories, Mayo Clinic
Classification: Benign. Last evaluated: 2020-10-20. Review status: criteria provided, single submitter. Criteria: ACMG Guidelines, 2015. Collection method: clinical testing. Allele origin: germline. Observed: 75 variant alleles.

GeneDx
Classification: Benign. Last evaluated: 2017-05-09. Review status: criteria provided, single submitter. Criteria: GeneDx Variant Classification (06012015). Collection method: clinical testing. Allele origin: germline. Affected: yes.
Comment: This variant is considered likely benign or benign based on one or more of the following criteria: it is a conservative change, it occurs at a poorly conserved position in the protein, it is predicted to be benign by multiple in silico algorithms, and/or has population frequency not consistent with disease.

Laboratory for Molecular Medicine, Mass General Brigham Personalized Medicine
Classification: Benign. Last evaluated: 2012-05-07. Review status: criteria provided, single submitter. Criteria: LMM Criteria. Collection method: clinical testing. Allele origin: germline. Observed: 865 variant alleles.
Comment: Pro264Arg in Exon 07 of ILDR1: This variant is not expected to have clinical sig nificance because it has been identified in 39.8% (1489/3738) of African America n chromosomes from a broad population by the NHLBI Exome Sequencing Project (dbSNP rs3915061).

Breakthrough Genomics
Classification: Benign. Review status: criteria provided, single submitter. Criteria: ACMG Guidelines, 2015. Collection method: not provided. Allele origin: germline. Inheritance: Autosomal recessive inheritance. Affected: yes.

PreventionGenetics, part of Exact Sciences
Classification: Benign. Review status: criteria provided, single submitter. Criteria: ACMG Guidelines, 2015. Collection method: clinical testing. Allele origin: germline.

NM_001199799.2(ILDR1):c.791C>G (p.Pro264Arg)

Gene: ILDR1 (immunoglobulin like domain containing receptor 1; minus strand). Cytogenetic location: 3q13.33.
Variant type: single nucleotide variant.
Coding change: c.791C>G on transcript NM_001199799.2 (MANE Select); coding-DNA position 791, C replaced by G.
Protein change: p.Pro264Arg; replaces proline 264 with arginine.
Molecular consequence: missense variant.
Genome position (GRCh38, 1-based): chr3:121,993,958, G>C on the plus strand (C>G on the coding strand, the complement: ILDR1 is on the minus strand). VCF-style: chr3-121993958-G-C. GRCh37 (hg19) VCF-style: chr3-121712805-G-C.
Other names: c.524C>G, p.Pro175Arg (NM_001199800.2); c.659C>G, p.Pro220Arg (NM_175924.4); short protein forms P264R, P175R, P220R.
Identifiers: ClinVar variation 44145 (VCV000044145.16), dbSNP rs3915061, ClinGen allele CA133667.